The following is an entry in ClinVar:

ClinVar aggregate classification (germline): Uncertain significance (1 of 4 stars; one submission).

Submission:

Ambry Genetics
Classification: Uncertain significance. Last evaluated: 2025-07-23. Review status: criteria provided, single submitter. Criteria: Ambry Variant Classification Scheme 2023. Collection method: clinical testing. Allele origin: germline.
Comment: The c.546_547delAC variant, located in coding exon 5 of the RAD51B gene, results from a deletion of two nucleotides at nucleotide positions 546 to 547, causing a translational frameshift with a predicted alternate stop codon (p.E182Dfs*4). The evidence for this gene-disease relationship is limited; therefore, the clinical significance of this alteration is unclear.

NM_133510.4(RAD51B):c.546_547del (p.Glu182fs)

Gene: RAD51B (RAD51 paralog B; plus strand). Cytogenetic location: 14q24.1.
Variant type: Deletion.
Coding change: c.546_547del on transcript NM_133510.4 (MANE Select); coding-DNA positions 546 to 547, 2 bases deleted (AC; older notation c.546_547delAC).
Protein change: p.Glu182fs; shifts the reading frame from glutamic acid 182.
Molecular consequence: frameshift variant.
Genome position (GRCh38, 1-based): chr14:67,885,962-67,885,963, AC deleted. VCF-style (leftmost placement, unchanged base first): chr14-67885961-AAC-A. GRCh37 (hg19) VCF-style: chr14-68352678-AAC-A.
Other names: c.546_547del, p.Glu182fs (NM_001321809.2, NM_001321810.2, NM_001321812.1 and 6 more transcripts); c.432_433del, p.Glu144fs (NM_001321815.1); c.189_190del, p.Glu63fs (NM_001321817.2); short protein forms E144fs, E182fs, E63fs.
Identifiers: ClinVar variation 4149828 (VCV004149828.1).